The following is an entry in ClinVar:

ClinVar aggregate classification (germline): Uncertain significance (1 of 4 stars; one submission).

Conditions:
Ehlers-Danlos syndrome due to tenascin-X deficiency (EDSCLL1). Also called: TNX DEFICIENCY; EDS DUE TO TNX DEFICIENCY; EHLERS-DANLOS SYNDROME, CLASSIC-LIKE; Ehlers-Danlos syndrome, classic-like, 1; TNXB-Related Classical-Like Ehlers-Danlos Syndrome. Identifiers: Orphanet 230839, MedGen C1848029, MONDO:0011670, OMIM 606408.

Submission:

Myriad Genetics, Inc.
Classification: Uncertain significance for Ehlers-Danlos syndrome due to tenascin-X deficiency. Last evaluated: 2025-09-23. Review status: criteria provided, single submitter. Criteria: Myriad Autosomal Dominant, Autosomal Recessive and X-Linked Classification Criteria (2023). Collection method: clinical testing. Allele origin: unknown.
Comment: NM_019105.6(TNXB):c.3445+2T>C is a variant in a canonical splice site classified as a variant of uncertain significance in the context of classical-like Ehlers-Danlos syndrome, TNXB-related. c.3445+2T>C has not been observed in cases with relevant disease. Relevant functional assessments of this variant are not available in the literature. c.3445+2T>C has not been observed in referenced population frequency databases. In summary, there is insufficient evidence to classify NM_019105.6(TNXB):c.3445+2T>C as pathogenic or benign. Please note: this variant was assessed in the context of healthy population screening.

NM_001365276.2(TNXB):c.3445+2T>C

Gene: TNXB (tenascin XB; minus strand). Cytogenetic location: 6p21.33.
Variant type: single nucleotide variant.
Coding change: c.3445+2T>C on transcript NM_001365276.2 (MANE Select); the canonical splice donor site of the intron after coding-DNA position 3445, T replaced by C.
Molecular consequence: splice donor variant.
Genome position (GRCh38, 1-based): chr6:32,084,411, A>G on the plus strand (T>C on the coding strand, the complement: TNXB is on the minus strand). VCF-style: chr6-32084411-A-G. GRCh37 (hg19) VCF-style: chr6-32052188-A-G.
Other names: c.3445+2T>C (NM_019105.8); c.4186+2T>C (NM_001428335.1).
Identifiers: ClinVar variation 5004186 (VCV005004186.1).